The following is an entry in ClinVar:

NM_138694.4(PKHD1):c.11832C>T (p.His3944=)

Gene: PKHD1 (PKHD1 ciliary IPT domain containing fibrocystin/polyductin; minus strand). Cytogenetic location: 6p12.3.
Variant type: single nucleotide variant.
Coding change: c.11832C>T on transcript NM_138694.4 (MANE Select); coding-DNA position 11832, C replaced by T.
Protein change: p.His3944=; no amino-acid change (histidine 3944 retained).
Molecular consequence: synonymous variant.
Genome position (GRCh38, 1-based): chr6:51,619,474, G>A on the plus strand (C>T on the coding strand, the complement: PKHD1 is on the minus strand). VCF-style: chr6-51619474-G-A. GRCh37 (hg19) VCF-style: chr6-51484272-G-A.
Other names: c.11832C>T (NM_138694.3).
Identifiers: ClinVar variation 2061857 (VCV002061857.5), dbSNP rs1362525859, ClinGen allele CA450613099.

ClinVar aggregate classification (germline): Likely benign. Review status: criteria provided, multiple submitters, no conflicts (2 of 4 stars). 2 submissions from 2 submitters: Likely benign (2). Last evaluated 2026-06-14.

Conditions:
PKHD1-related disorder. Also called: PKHD1-related condition.
Autosomal recessive polycystic kidney disease (ARPKD). Also called: AR polycystic kidney disease. Identifiers: Orphanet 731, Orphanet 8378, MedGen C0085548, MeSH D017044, MONDO:0009889.

gnomAD v4.1: 3 of 1,614,090 alleles (0.00019%); highest among the groups gnomAD compares: Non-Finnish European, 0.00025%; no homozygotes.

Submissions (2):

PreventionGenetics, part of Exact Sciences
Classification: Likely benign for PKHD1-related condition. Last evaluated: 2026-06-14. Review status: criteria provided, single submitter. Criteria: ACMG Guidelines, 2015. Collection method: clinical testing. Allele origin: germline.
Comment: This variant is classified as likely benign based on ACMG/AMP sequence variant interpretation guidelines (Richards et al. 2015 PMID: 25741868, with internal and published modifications).

Labcorp Genetics (formerly Invitae), Labcorp
Classification: Likely benign for Autosomal recessive polycystic kidney disease. Last evaluated: 2023-08-24. Review status: criteria provided, single submitter. Criteria: Invitae Variant Classification Sherloc (09022015). Collection method: clinical testing. Allele origin: germline.